The following is an entry in ClinVar:

NM_000051.4(ATM):c.3077+4G>A

Gene: ATM (ATM serine/threonine kinase; plus strand). Cytogenetic location: 11q22.3.
Variant type: single nucleotide variant.
Coding change: c.3077+4G>A on transcript NM_000051.4 (MANE Select); 4 bases into the intron after coding-DNA position 3077, G replaced by A.
Molecular consequence: intron variant.
Genome position (GRCh38, 1-based): chr11:108,271,410, G>A. VCF-style: chr11-108271410-G-A. GRCh37 (hg19) VCF-style: chr11-108142137-G-A.
Other names: c.3077+4G>A (NM_001351834.2).
Identifiers: ClinVar variation 231928 (VCV000231928.37), dbSNP rs201222237, ClinGen allele CA6265179.
Genomic context (GRCh38, chr11:108,271,410, plus strand): 5'-CTCTGAGAACACAAGGGATGCTCAAGGACAGTTTCTTACAGTAATTGGAGCATTTTGGTA[G>A]GTACAGTCTATTTTGTGGTCCTATTTTTCTTTTGCTATCTGTGGATACGAATGCAAGTTT-3'

ClinVar aggregate classification (germline): Conflicting classifications of pathogenicity. Review status: criteria provided, conflicting classifications (1 of 4 stars). 13 submissions from 13 submitters: Uncertain significance (3); Benign (2); Likely benign (5). 3 of the submissions do not count toward it. Last evaluated 2026-10-01.

Conditions:
ATM-related disorder. Also called: ATM-related disorders; ATM-related condition.
Hereditary cancer-predisposing syndrome. Also called: Hereditary neoplastic syndrome; Hereditary Cancer Syndrome; Neoplastic Syndromes, Hereditary; Tumor predisposition. Identifiers: Orphanet 140162, MedGen C0027672, MeSH D009386, MONDO:0015356.
Familial cancer of breast. Also called: Hereditary breast cancer; BREAST CANCER, FAMILIAL; hereditary breast carcinoma. Identifiers: Orphanet 227535, MedGen C0346153, MONDO:0016419, OMIM 114480. Disease mechanism: loss of function.
Ataxia-telangiectasia syndrome (AT). Also called: Ataxia-telangiectasia, complementation group D; Ataxia telangiectasia (A-T); LOUIS-BAR SYNDROME; AT, COMPLEMENTATION GROUP C; ATAXIA-TELANGIECTASIA, COMPLEMENTATION GROUP A; ATAXIA-TELANGIECTASIA, FRESNO VARIANT. Identifiers: Orphanet 100, MedGen C0004135, MONDO:0008840, OMIM 208900.
Malignant tumor of breast. Also called: Malignant breast neoplasm; Cancer breast. Identifiers: MedGen C0006142, MONDO:0007254. Disease mechanism: loss of function.

Allele frequency attached by ClinVar (database versions not stated): ExAC 0.00008; gnomAD 0.00014 and 0.00015; TOPMed 0.00014; ESP Exome Variant Server 0.00015; 1000 Genomes Project 0.00060; 1000 Genomes Project 30x 0.00062; gnomAD exomes 0.00001 and 0.00006.
gnomAD v4.1: 44 of 1,613,952 alleles (0.0027%); highest among the groups gnomAD compares: African/African-American, 0.055%; no homozygotes.

Submissions (13):

St. Jude Molecular Pathology, St. Jude Children's Research Hospital
Classification: Uncertain significance for Ataxia-telangiectasia syndrome. Last evaluated: 2026-10-01. Review status: criteria provided, single submitter. Criteria: St. Jude Assertion Criteria 2020. Collection method: clinical testing. Allele origin: germline.
Comment: The ATM c.3077+4G>A intronic change results in a G to A substitution at the +4 position of intron 2 0 of the ATM gene. Algorithms that predict the impact of sequence changes on splicing indicate that this change may impact splicing, but to our knowledge this prediction has not been confirmed by functional studies. This variant has a maximum subpopulati on frequency of 0.072% in gnomAD v2.1.1. To our knowledge, this variant has not been reported in individuals with ataxia telangiectasia. In summary, the evidence currently available is insufficient to determine the clinical significance of this variant. It has therefore been classified as of uncertain significance.

Labcorp Genetics (formerly Invitae), Labcorp
Classification: Likely benign for Ataxia-telangiectasia syndrome. Last evaluated: 2026-01-28. Review status: criteria provided, single submitter. Criteria: Invitae Variant Classification Sherloc (09022015). Collection method: clinical testing. Allele origin: germline.

Quest Diagnostics Nichols Institute San Juan Capistrano
Classification: Likely benign. Last evaluated: 2024-06-25. Review status: criteria provided, single submitter. Criteria: Quest Diagnostics criteria. Collection method: clinical testing. Allele origin: unknown.
Comment: The frequency of this variant in the general population is higher than would generally be expected for pathogenic variants in this gene. Computational tools yielded predictions that this variant is unlikely to have an effect on normal RNA splicing. This nucleotide position exhibits low evolutionary conservation.

Myriad Genetics, Inc.
Classification: Benign for Familial cancer of breast. Last evaluated: 2024-05-13. Review status: criteria provided, single submitter. Criteria: Myriad Autosomal Dominant, Autosomal Recessive and X-Linked Classification Criteria (2023). Collection method: clinical testing. Allele origin: unknown.
Comment: This variant is considered benign. This variant is intronic and is not expected to impact mRNA splicing. This variant is strongly associated with less severe personal and family histories of cancer, typical for individuals without pathogenic variants in this gene [PMID: 25085752].

Women's Health and Genetics/Laboratory Corporation of America, LabCorp
Classification: Likely benign. Last evaluated: 2023-07-02. Review status: criteria provided, single submitter. Criteria: LabCorp Variant Classification Summary - May 2015. Collection method: clinical testing. Allele origin: germline.
Comment: Variant summary: ATM c.3077+4G>A alters a non-conserved nucleotide located close to a canonical splice site and therefore could affect mRNA splicing, leading to a significantly altered protein sequence. 4/4 computational tools predict no significant impact on normal splicing. However, these predictions have yet to be confirmed by functional studies. The variant allele was found at a frequency of 5.6e-05 in 250438 control chromosomes. This frequency is not significantly higher than estimated for a pathogenic variant in ATM causing Ataxia-Telangiectasia (5.6e-05 vs 0.004), allowing no conclusion about variant significance. c.3077+4G>A has been reported in the literature as a VUS in settings of multigene panel testing in at-least one individual with colorectal cancer who underwent clinical genetic testing for Lynch syndrome (example, Yurgelun_2015). These report(s) do not provide unequivocal conclusions about association of the variant with Ataxia-Telangiectasia or ATM-related cancers. To our knowledge, no experimental evidence demonstrating an impact on protein function has been reported. The following publication has been ascertained in the context of this evaluation (PMID: 25980754). Seven submitters have provided clinical-significance assessments for this variant to ClinVar after 2014 with a majority consensus as likely benign (n=5) (VUS, n=2). Based on the evidence outlined above, the variant was classified as likely benign.

Sema4
Classification: Uncertain significance for Hereditary cancer-predisposing syndrome. Last evaluated: 2021-05-18. Review status: criteria provided, single submitter. Criteria: Sema4 Curation Guidelines. Collection method: curation. Allele origin: germline.
Comment: The ATM c.3077+4G>A variant has been reported in at least one individual with a Lynch syndrome-associated cancer and/or colon polyps (PMID: 25980754). It was observed in 18/24870 chromosomes of the African/African American subpopulation, with no homozygotes, in the large and broad cohorts of the Genome Aggregation Database (PMID: 32461654). The variant has been reported in ClinVar (Variation ID 231928). In silico tools suggest the impact of the variant on splicing is benign, though these predictions have not been confirmed by functional studies. The evidence is insufficient to meet ACMG/AMP criteria for classifying the variant as benign or pathogenic. Thus, the clinical significance of this variant is currently uncertain.

Ambry Genetics
Classification: Likely benign for Hereditary cancer-predisposing syndrome. Last evaluated: 2019-09-05. Review status: criteria provided, single submitter. Criteria: Ambry Variant Classification Scheme 2023. Collection method: clinical testing. Allele origin: germline.

Mendelics
Classification: Uncertain significance for Ataxia-telangiectasia syndrome. Last evaluated: 2019-05-28. Review status: criteria provided, single submitter. Criteria: Mendelics Assertion Criteria 2017. Collection method: clinical testing. Allele origin: unknown.

Color Diagnostics, LLC DBA Color Health
Classification: Likely benign for Hereditary cancer-predisposing syndrome. Last evaluated: 2016-02-10. Review status: criteria provided, single submitter. Criteria: ACMG Guidelines, 2015. Collection method: clinical testing. Allele origin: germline.

GeneDx
Classification: Benign. Last evaluated: 2015-04-20. Review status: criteria provided, single submitter. Criteria: GeneDx Variant Classification (06012015). Collection method: clinical testing. Allele origin: germline. Affected: yes.
Comment: This variant is considered likely benign or benign based on one or more of the following criteria: it is a conservative change, it occurs at a poorly conserved position in the protein, it is predicted to be benign by multiple in silico algorithms, and/or has population frequency not consistent with disease.

PreventionGenetics, part of Exact Sciences
Classification: Likely benign for ATM-related condition. Last evaluated: 2022-02-03. Review status: no assertion criteria provided. Collection method: clinical testing. Allele origin: germline. Not counted in ClinVar's aggregate classification.
Comment: This variant is classified as likely benign based on ACMG/AMP sequence variant interpretation guidelines (Richards et al. 2015 PMID: 25741868, with internal and published modifications).

Natera, Inc.
Classification: Likely benign for Ataxia-telangiectasia. Last evaluated: 2020-01-19. Review status: no assertion criteria provided. Collection method: clinical testing. Allele origin: germline. Not counted in ClinVar's aggregate classification.

Department of Pathology and Laboratory Medicine, Sinai Health System
Classification: Likely benign for Malignant tumor of breast. Review status: no assertion criteria provided. Collection method: clinical testing. Allele origin: unknown. Affected: yes. Observed: 1 variant allele. Study: The Canadian Open Genetics Repository (COGR). Not counted in ClinVar's aggregate classification.
Comment: The ATM c.3077+4G>A variant was identified in 1 of 2520 proband chromosomes (frequency: 0.0004) from individuals or families with Lynch Syndrome associated cancer or colorectal polyps (Yurgelun 2015). The variant was also identified in the following databases: dbSNP (ID: rs201222237) as â€šÃ„ÃºWith Uncertain significance alleleâ€šÃ„Ã¹ and ClinVar (4x as benign by GeneDx, as likely benign by Invitae, as uncertain significance by Ambry Genetics and Integrated Genetics). The variant was not identified in Cosmic, MutDB, LOVD 3.0 or ATM-LOVD databases. The variant was identified in control databases in 17 of 276132 chromosomes at a frequency of 0.00006 (Genome Aggregation Database Feb 27, 2017). The variant was observed in the following populations: African in 16 of 23934 chromosomes (freq: 0.00067) and Latino in 1 of 34378 chromosomes (freq: 0.00003). It was not observed in the â€šÃ„ÃºOtherâ€šÃ„Ã¹, European Non-Finnish, Ashkenazi Jewish, East Asian, European Finnish or South Asian populations. This variant was identified in our laboratory with a co-occurring pathogenic BRCA2 variant (c.3455T>G, p.Leu1152*), increasing the likelihood that the c.3077+4G>A variant does not have clinical significance. The c.3077+4G>A variant is located in the 5' splice region but does not affect the invariant +1 and +2 positions. However, positions +3 to +6 are part of the splicing consensus sequence and variants involving these positions sometimes affect splicing. In addition, 3 of 5 in silico or computational prediction software programs (SpliceSiteFinder, MaxEntScan, NNSPLICE, GeneSplicer, HumanSpliceFinder) predict a greater than 10% increased difference in splicing 3 bp upstream at the consensus splice junction. However, this information is not predictive enough to assume pathogenicity. In summary, based on the above information the clinical significance of this variant cannot be determined with certainty at this time although we would lean towards a more benign role for this variant. This variant is classified as likely benign.

Literature cited by the submitters: PubMed 25980754 (cited by 3 submitters); PubMed 35534704 (cited by Quest Diagnostics Nichols Institute San Juan Capistrano); PubMed 25085752 (cited by Myriad Genetics, Inc.).